The following is an entry in ClinVar:

NM_001346471.1(AMZ2):c.1-2253G>C

Genes: AMZ2 (archaelysin family metallopeptidase 2; plus strand), LOC130061519 (ATAC-STARR-seq lymphoblastoid silent region 8897; plus strand). Cytogenetic location: 17q24.2.
Variant type: single nucleotide variant.
Coding change: c.1-2253G>C on transcript NM_001346471.1; 2253 bases into the intron before coding-DNA position 1, G replaced by C.
Molecular consequence: intron variant. On other transcripts: 5 prime UTR variant (3).
Genome position (GRCh38, 1-based): chr17:68,247,935, G>C. VCF-style: chr17-68247935-G-C. GRCh37 (hg19) VCF-style: chr17-66244076-G-C.
Other names: c.-77G>C (NM_001346474.2); c.-73G>C (NM_001346475.2); c.-7G>C (NM_001346485.2); c.1-2253G>C (NM_001346472.1, NM_001346480.1); c.-66-705G>C (NM_001346473.1); c.-112-2253G>C (NM_001346481.1).
Identifiers: ClinVar variation 4992444 (VCV004992444.1).

ClinVar aggregate classification (germline): Likely benign (1 of 4 stars; one submission).

Conditions:
AMZ2-related disorder. Also called: AMZ2-related condition.

gnomAD v4.1: 1 of 984,672 alleles (0.0001%); highest among the groups gnomAD compares: South Asian, 0.0047%; no homozygotes.

Submission:

PreventionGenetics, part of Exact Sciences
Classification: Likely benign for AMZ2-related condition. Last evaluated: 2026-07-23. Review status: criteria provided, single submitter. Criteria: ACMG Guidelines, 2015. Collection method: clinical testing. Allele origin: germline.
Comment: This variant is classified as likely benign based on ACMG/AMP sequence variant interpretation guidelines (Richards et al. 2015 PMID: 25741868, with internal and published modifications).